The following is an entry in ClinVar:

ClinVar aggregate classification (germline): Uncertain significance (1 of 4 stars; one submission).

Conditions:
Glycogen storage disease due to muscle beta-enolase deficiency (GSD13). Also called: Glycogen Storage Disease Type XIII; ENOLASE 3 DEFICIENCY; ENOLASE-BETA DEFICIENCY; GSD XIII. Identifiers: Orphanet 99849, MedGen C2752027, MONDO:0013046, OMIM 612932.

Submission:

Labcorp Genetics (formerly Invitae), Labcorp
Classification: Uncertain significance for Glycogen storage disease due to muscle beta-enolase deficiency. Last evaluated: 2024-06-01. Review status: criteria provided, single submitter. Criteria: Invitae Variant Classification Sherloc (09022015). Collection method: clinical testing. Allele origin: germline.
Comment: This sequence change replaces isoleucine, which is neutral and non-polar, with leucine, which is neutral and non-polar, at codon 284 of the ENO3 protein (p.Ile284Leu). This variant is not present in population databases (gnomAD no frequency). This variant has not been reported in the literature in individuals affected with ENO3-related conditions. Advanced modeling of protein sequence and biophysical properties (such as structural, functional, and spatial information, amino acid conservation, physicochemical variation, residue mobility, and thermodynamic stability) performed at Invitae indicates that this missense variant is not expected to disrupt ENO3 protein function with a negative predictive value of 80%. In summary, the available evidence is currently insufficient to determine the role of this variant in disease. Therefore, it has been classified as a Variant of Uncertain Significance.

NM_053013.4(ENO3):c.850A>C (p.Ile284Leu)

Gene: ENO3 (enolase 3; plus strand). Cytogenetic location: 17p13.2.
Variant type: single nucleotide variant.
Coding change: c.850A>C on transcript NM_053013.4 (MANE Select); coding-DNA position 850, A replaced by C.
Protein change: p.Ile284Leu; replaces isoleucine 284 with leucine.
Molecular consequence: missense variant.
Genome position (GRCh38, 1-based): chr17:4,955,589, A>C. VCF-style: chr17-4955589-A-C. GRCh37 (hg19) VCF-style: chr17-4858884-A-C.
Other names: c.721A>C, p.Ile241Leu (NM_001193503.2); c.850A>C, p.Ile284Leu (NM_001374523.1, NM_001976.5); c.877A>C, p.Ile293Leu (NM_001374524.1); short protein forms I293L, I241L, I284L.
Identifiers: ClinVar variation 3655153 (VCV003655153.2).
Genomic context (GRCh38, chr17:4,955,589, plus strand): 5'-CCTGATGATCCCGCACGGCACATCACTGGGGAGAAGCTCGGAGAGCTGTATAAGAGCTTT[A>C]TCAAGAACTATCCTGGTGAGGCGTTCGGGTGTCCCAGTGTTCCTGCCCGAATCCCGTGCA-3'
Protein context (NP_443739.3, residues 274-294): EKLGELYKSF[Ile284Leu]KNYPVVSIED